The following is an entry in ClinVar:

NM_001987.5(ETV6):c.278del (p.Ala93fs)

Genes: ETV6 (ETS variant transcription factor 6; plus strand), LOC126861451 (BRD4-independent group 4 enhancer GRCh37_chr12:11991350-11992549; plus strand). Cytogenetic location: 12p13.2.
Variant type: Deletion.
Coding change: c.278del on transcript NM_001987.5 (MANE Select); coding-DNA position 278, one base deleted (C; older notation c.278delC).
Protein change: p.Ala93fs; shifts the reading frame from alanine 93.
Molecular consequence: frameshift variant.
Genome position (GRCh38, 1-based): chr12:11,839,254, C deleted. VCF-style (leftmost placement, unchanged base first): chr12-11839253-GC-G. GRCh37 (hg19) VCF-style: chr12-11992187-GC-G.
Other names: c.275del, p.Ala92fs (NM_001413913.1); c.251del, p.Ala84fs (NM_001413914.1); c.14del, p.Ala5fs (NM_001413915.1); c.278del, p.Ala93fs (NM_001413916.1, NM_001413917.1, NM_001413918.1); short protein forms A5fs, A84fs, A92fs, A93fs.
Identifiers: ClinVar variation 4851676 (VCV004851676.1).

ClinVar aggregate classification (germline): Likely pathogenic (1 of 4 stars; one submission).

Conditions:
Thrombocytopenia 5 (THC5). Also called: THROMBOCYTOPENIA, AUTOSOMAL DOMINANT, 5; THROMBOCYTOPENIA 5 WITH INCREASED SUSCEPTIBILITY TO MALIGNANCY. Identifiers: MedGen C4015537, MONDO:0014536, OMIM 616216.

Submission:

Greenwood Genetic Center Diagnostic Laboratories, Greenwood Genetic Center
Classification: Likely pathogenic for Thrombocytopenia 5. Last evaluated: 2025-02-12. Review status: criteria provided, single submitter. Criteria: ACMG Guidelines, 2015. Collection method: clinical testing. Allele origin: germline. Affected: yes.
Comment: PVS1, PM2